The following is an entry in ClinVar:

ClinVar aggregate classification (germline): Uncertain significance (1 of 4 stars; one submission).

Conditions:
Glycogen storage disease, type II (IOPD). Also called: CARDIOMEGALIA GLYCOGENICA DIFFUSA; GLYCOGENOSIS, GENERALIZED, CARDIAC FORM; GSD II; POMPE DISEASE, INFANTILE-ONSET; GLYCOGEN STORAGE DISEASE II, INFANTILE-ONSET; ACID ALPHA-GLUCOSIDASE DEFICIENCY, INFANTILE-ONSET. Identifiers: Orphanet 365, MedGen C0017921, MONDO:0009290, OMIM 232300.

Submission:

Labcorp Genetics (formerly Invitae), Labcorp
Classification: Uncertain significance for Glycogen storage disease, type II. Last evaluated: 2017-08-06. Review status: criteria provided, single submitter. Criteria: Invitae Variant Classification Sherloc (09022015). Collection method: clinical testing. Allele origin: germline.
Comment: This sequence change replaces histidine with tyrosine at codon 263 of the GAA protein (p.His263Tyr). The histidine residue is highly conserved and there is a moderate physicochemical difference between histidine and tyrosine. In summary, the available evidence is currently insufficient to determine the role of this variant in disease. Therefore, it has been classified as a Variant of Uncertain Significance. Algorithms developed to predict the effect of missense changes on protein structure and function do not agree on the potential impact of this missense change (SIFT: "Deleterious"; PolyPhen-2: "Probably Damaging"; Align-GVGD: "Class C0"). This variant has not been reported in the literature in individuals with GAA-related disease. This variant is not present in population databases (ExAC no frequency).

NM_000152.5(GAA):c.787C>T (p.His263Tyr)

Gene: GAA (alpha glucosidase; plus strand). Cytogenetic location: 17q25.3.
Variant type: single nucleotide variant.
Coding change: c.787C>T on transcript NM_000152.5 (MANE Select); coding-DNA position 787, C replaced by T.
Protein change: p.His263Tyr; replaces histidine 263 with tyrosine.
Molecular consequence: missense variant.
Genome position (GRCh38, 1-based): chr17:80,107,651, C>T. VCF-style: chr17-80107651-C-T. GRCh37 (hg19) VCF-style: chr17-78081450-C-T.
Other names: c.787C>T (LRG_673t1); c.787C>T, p.His263Tyr (NM_001079803.3, NM_001079804.3); short protein forms H263Y.
Identifiers: ClinVar variation 526528 (VCV000526528.9), dbSNP rs1555599660, ClinGen allele CA401363475.